The following is an entry in ClinVar:

ClinVar aggregate classification (germline): Uncertain significance (1 of 4 stars; one submission).

Conditions:
Myofibrillar myopathy 5. Also called: FILAMINOPATHY, AUTOSOMAL DOMINANT; Filaminopathy (type). Identifiers: Orphanet 171445, MedGen C1836050, MONDO:0012289, OMIM 609524.
Distal myopathy with posterior leg and anterior hand involvement. Also called: WILLIAMS DISTAL MYOPATHY. Identifiers: Orphanet 63273, MedGen C3279722, MONDO:0013550, OMIM 614065.
Hypertrophic cardiomyopathy 26. Also called: Cardiomyopathy, familial hypertrophic, 26. Identifiers: Orphanet 75249, MedGen C4310749, MONDO:0014883, OMIM 617047.

gnomAD v4.1: 4 of 1,614,034 alleles (0.00025%); highest among the groups gnomAD compares: Non-Finnish European, 0.00034%; no homozygotes.

Submission:

Labcorp Genetics (formerly Invitae), Labcorp
Classification: Uncertain significance for Distal myopathy with posterior leg and anterior hand involvement; Myofibrillar myopathy 5; Hypertrophic cardiomyopathy 26. Last evaluated: 2025-12-22. Review status: criteria provided, single submitter. Criteria: Invitae Variant Classification Sherloc (09022015). Collection method: clinical testing. Allele origin: germline.
Comment: This sequence change replaces serine, which is neutral and polar, with asparagine, which is neutral and polar, at codon 2077 of the FLNC protein (p.Ser2077Asn). This variant is not present in population databases (gnomAD no frequency). This variant has not been reported in the literature in individuals affected with FLNC-related conditions. ClinVar contains an entry for this variant (Variation ID: 1910285). Invitae Evidence Modeling of protein sequence and biophysical properties (such as structural, functional, and spatial information, amino acid conservation, physicochemical variation, residue mobility, and thermodynamic stability) has been performed for this missense variant. However, the output from this modeling did not meet the statistical confidence thresholds required to predict the impact of this variant on FLNC protein function. In summary, the available evidence is currently insufficient to determine the role of this variant in disease. Therefore, it has been classified as a Variant of Uncertain Significance.

NM_001458.5(FLNC):c.6230G>A (p.Ser2077Asn)

Genes: FLNC (filamin C; plus strand), FLNC-AS1 (FLNC antisense RNA 1; minus strand). Cytogenetic location: 7q32.1.
Variant type: single nucleotide variant.
Coding change: c.6230G>A on transcript NM_001458.5 (MANE Select); coding-DNA position 6230, G replaced by A.
Protein change: p.Ser2077Asn; replaces serine 2077 with asparagine.
Molecular consequence: missense variant.
Genome position (GRCh38, 1-based): chr7:128,853,490, G>A. VCF-style: chr7-128853490-G-A. GRCh37 (hg19) VCF-style: chr7-128493544-G-A.
Other names: c.6131G>A, p.Ser2044Asn (NM_001127487.2); short protein forms S2044N, S2077N.
Identifiers: ClinVar variation 1910285 (VCV001910285.5), dbSNP rs2536662028, ClinGen allele CA369211856.